The following is an entry in ClinVar:

NM_001122681.2(SH3BP2):c.587-3C>A

Gene: SH3BP2 (SH3 domain binding protein 2; plus strand). Cytogenetic location: 4p16.3.
Variant type: single nucleotide variant.
Coding change: c.587-3C>A on transcript NM_001122681.2 (MANE Select); 3 bases into the intron before coding-DNA position 587, C replaced by A.
Molecular consequence: intron variant.
Genome position (GRCh38, 1-based): chr4:2,829,490, C>A. VCF-style: chr4-2829490-C-A. GRCh37 (hg19) VCF-style: chr4-2831217-C-A.
Other names: c.671-3C>A (LRG_1334t2, NM_001145855.2); c.587-3C>A (LRG_1334t1, NM_003023.4); c.758-3C>A (NM_001145856.2).
Identifiers: ClinVar variation 665261 (VCV000665261.9), dbSNP rs368839407, ClinGen allele CA2819272.

ClinVar aggregate classification (germline): Uncertain significance (1 of 4 stars; one submission).

Conditions:
Fibrous dysplasia of jaw (CRBM). Also called: Cherubism. Identifiers: Orphanet 184, MedGen C0008029, MONDO:0007315, OMIM 118400.

Allele frequency attached by ClinVar (database versions not stated): gnomAD exomes 0.00006 and 0.00010; ExAC 0.00007; TOPMed 0.00007; gnomAD 0.00009; ESP Exome Variant Server 0.00023.
gnomAD v4.1: 161 of 1,613,416 alleles (0.01%); highest among the groups gnomAD compares: Non-Finnish European, 0.013%; no homozygotes.

Submissions (3):

Labcorp Genetics (formerly Invitae), Labcorp
Classification: Uncertain significance for Fibrous dysplasia of jaw. Last evaluated: 2025-11-27. Review status: criteria provided, single submitter. Criteria: Invitae Variant Classification Sherloc (09022015). Collection method: clinical testing. Allele origin: germline.
Comment: This sequence change falls in intron 7 of the SH3BP2 gene. It does not directly change the encoded amino acid sequence of the SH3BP2 protein. It affects a nucleotide within the consensus splice site. This variant is present in population databases (rs368839407, gnomAD 0.01%). This variant has not been reported in the literature in individuals affected with SH3BP2-related conditions. ClinVar contains an entry for this variant (Variation ID: 665261). Variants that disrupt the consensus splice site are a relatively common cause of aberrant splicing (PMID: 17576681, 9536098). Algorithms developed to predict the effect of sequence changes on RNA splicing suggest that this variant may disrupt the consensus splice site. In summary, the available evidence is currently insufficient to determine the role of this variant in disease. Therefore, it has been classified as a Variant of Uncertain Significance.

Dr. Peter K. Rogan Lab, Western University
No classification provided (evidence only). Condition: Colon adenocarcinoma. Review status: no classification provided. Collection method: in vitro. Allele origin: not applicable. Functional consequence: skipped exon, retained intron. Not counted in ClinVar's aggregate classification.

Dr. Peter K. Rogan Lab, Western University
No classification provided (evidence only). Condition: Sarcoma. Review status: no classification provided. Collection method: in vitro. Allele origin: not applicable. Functional consequence: skipped exon, retained intron. Not counted in ClinVar's aggregate classification.

Literature cited by the submitters: PubMed 17576681 (cited by Labcorp Genetics (formerly Invitae), Labcorp); PubMed 9536098 (cited by Labcorp Genetics (formerly Invitae), Labcorp).